The following is an entry in ClinVar:

ClinVar aggregate classification (germline): Benign. Review status: criteria provided, multiple submitters, no conflicts (2 of 4 stars). 4 submissions from 4 submitters: Benign (3). 1 of the submissions does not count toward it. Last evaluated 2021-05-05.

Conditions:
STK36-related disorder. Also called: STK36-related condition.

Allele frequency attached by ClinVar (database versions not stated): ESP Exome Variant Server 0.00015; gnomAD 0.00428 and 0.00437; ExAC 0.00867; TOPMed 0.00891; 1000 Genomes Project 0.00899; 1000 Genomes Project 30x 0.01046.
gnomAD v4.1: 4,329 of 1,614,078 alleles (0.27%); highest among the groups gnomAD compares: Admixed American, 6.9%; 202 homozygotes.

Submissions (4):

GeneDx
Classification: Benign. Last evaluated: 2021-05-05. Review status: criteria provided, single submitter. Criteria: GeneDx Variant Classification Process June 2021. Collection method: clinical testing. Allele origin: germline. Affected: yes.

Labcorp Genetics (formerly Invitae), Labcorp
Classification: Benign. Last evaluated: 2019-12-31. Review status: criteria provided, single submitter. Criteria: Invitae Variant Classification Sherloc (09022015). Collection method: clinical testing. Allele origin: germline.

Breakthrough Genomics
Classification: Benign. Review status: criteria provided, single submitter. Criteria: ACMG Guidelines, 2015. Collection method: not provided. Allele origin: germline. Inheritance: Autosomal recessive inheritance. Affected: yes.

PreventionGenetics, part of Exact Sciences
Classification: Benign for STK36-related condition. Last evaluated: 2019-02-18. Review status: no assertion criteria provided. Collection method: clinical testing. Allele origin: germline. Not counted in ClinVar's aggregate classification.
Comment: This variant is classified as benign based on ACMG/AMP sequence variant interpretation guidelines (Richards et al. 2015 PMID: 25741868, with internal and published modifications).

NM_015690.5(STK36):c.1245C>A (p.Asp415Glu)

Gene: STK36 (serine/threonine kinase 36; plus strand). Cytogenetic location: 2q35.
Variant type: single nucleotide variant.
Coding change: c.1245C>A on transcript NM_015690.5 (MANE Select); coding-DNA position 1245, C replaced by A.
Protein change: p.Asp415Glu; replaces aspartic acid 415 with glutamic acid.
Molecular consequence: missense variant.
Genome position (GRCh38, 1-based): chr2:218,685,093, C>A. VCF-style: chr2-218685093-C-A. GRCh37 (hg19) VCF-style: chr2-219549816-C-A.
Other names: c.1245C>A, p.Asp415Glu (NM_001243313.2, NM_001369423.1); short protein forms D415E.
Identifiers: ClinVar variation 770134 (VCV000770134.9), dbSNP rs144833360, ClinGen allele CA2110751.